The following is an entry in ClinVar:

NM_183050.4(BCKDHB):c.*293T>C

Gene: BCKDHB (branched chain keto acid dehydrogenase E1 subunit beta; plus strand). Cytogenetic location: 6q14.1.
Variant type: single nucleotide variant.
Coding change: c.*293T>C on transcript NM_183050.4 (MANE Select); 293 bases downstream of the stop codon, T replaced by C.
Molecular consequence: 3 prime UTR variant. On other transcripts: non-coding transcript variant (1), intron variant (1).
Genome position (GRCh38, 1-based): chr6:80,344,097, T>C. VCF-style: chr6-80344097-T-C. GRCh37 (hg19) VCF-style: chr6-81053814-T-C.
Other names: c.*293T>C (NM_001318975.1); c.*8+285T>C (NM_000056.5).
Identifiers: ClinVar variation 358176 (VCV000358176.7), dbSNP rs926732, ClinGen allele CA10624819.
Genomic context (GRCh38, chr6:80,344,097, plus strand): 5'-GTCGCCCAGGCTAGACTGCAGTGGTGCAATCTCAGCTCACTGCAACCTCCCCCCTACCCC[T>C]GAGTTCAAGCGATTCTCCTGCCTCAGCCTGCTGAGTAGTTGGGATTACAGGCGCCCACCA-3'

ClinVar aggregate classification (germline): Benign. Review status: criteria provided, multiple submitters, no conflicts (2 of 4 stars). 2 submissions from 2 submitters: Benign (2). Last evaluated 2018-06-14.

Conditions:
Maple syrup urine disease (MSUD). Identifiers: Orphanet 511, MedGen C0024776, MeSH D008375, MONDO:0009563. Disease mechanism: loss of function.

Allele frequency attached by ClinVar (database versions not stated): 1000 Genomes Project 0.71546; 1000 Genomes Project 30x 0.71799; gnomAD 0.77646 and 0.78149; TOPMed 0.77925; gnomAD exomes 0.78568.
gnomAD v4.1: 309,299 of 395,064 alleles (78%); highest among the groups gnomAD compares: Admixed American, 84%; 122,458 homozygotes.

Submissions (2):

GeneDx
Classification: Benign. Last evaluated: 2018-06-14. Review status: criteria provided, single submitter. Criteria: GeneDx Variant Classification Process June 2021. Collection method: clinical testing. Allele origin: germline. Affected: yes.

Illumina Laboratory Services, Illumina
Classification: Benign for Maple syrup urine disease type 1A. Last evaluated: 2018-01-12. Review status: criteria provided, single submitter. Criteria: ICSL Variant Classification Criteria 13 December 2019. Collection method: clinical testing. Allele origin: germline.
Comment: This variant was observed in the ICSL laboratory as part of a predisposition screen in an ostensibly healthy population. It had not been previously curated by ICSL or reported in the Human Gene Mutation Database (HGMD: prior to June 1st, 2018), and was therefore a candidate for classification through an automated scoring system. Utilizing variant allele frequency, disease prevalence and penetrance estimates, and inheritance mode, an automated score was calculated to assess if this variant is too frequent to cause the disease. Based on the score and internal cut-off values, a variant classified as benign is not then subjected to further curation. The score for this variant resulted in a classification of benign for this disease.